The following is an entry in ClinVar:

ClinVar aggregate classification (germline): Uncertain significance (1 of 4 stars; one submission).

Submission:

GeneDx
Classification: Uncertain significance. Last evaluated: 2022-07-20. Review status: criteria provided, single submitter. Criteria: GeneDx Variant Classification Process June 2021. Collection method: clinical testing. Allele origin: germline. Affected: yes.
Comment: Not observed at significant frequency in large population cohorts (gnomAD); In silico analysis supports that this missense variant has a deleterious effect on protein structure/function; Has not been previously published as pathogenic or benign to our knowledge; This variant is associated with the following publications: (PMID: 18409179)

NM_000489.6(ATRX):c.5011A>T (p.Arg1671Trp)

Gene: ATRX (ATRX chromatin remodeler; minus strand). Cytogenetic location: Xq21.1.
Variant type: single nucleotide variant.
Coding change: c.5011A>T on transcript NM_000489.6 (MANE Select); coding-DNA position 5011, A replaced by T.
Protein change: p.Arg1671Trp; replaces arginine 1671 with tryptophan.
Molecular consequence: missense variant.
Genome position (GRCh38, 1-based): chrX:77,633,330, T>A on the plus strand (A>T on the coding strand, the complement: ATRX is on the minus strand). VCF-style: chrX-77633330-T-A. GRCh37 (hg19) VCF-style: chrX-76888818-T-A.
Other names: c.4897A>T, p.Arg1633Trp (NM_138270.5); short protein forms R1633W, R1671W.
Identifiers: ClinVar variation 2136218 (VCV002136218.1), dbSNP rs2522373909, ClinGen allele CA413703667.